The following is an entry in ClinVar:

NM_000142.5(FGFR3):c.436_445+2del

Gene: FGFR3 (fibroblast growth factor receptor 3; plus strand). Cytogenetic location: 4p16.3.
Variant type: Deletion.
Coding change: c.436_445+2del on transcript NM_000142.5 (MANE Select); coding-DNA position 436 through the canonical splice donor site of the intron after coding-DNA position 445, 12 bases deleted (GTGGACACAGGT).
Molecular consequence: splice donor variant.
Genome position (GRCh38, 1-based): chr4:1,799,803-1,799,814, GTGGACACAGGT deleted; deleting any 12 consecutive bases within chr4:1,799,793-1,799,814 gives the same sequence; the c. name uses the placement nearest the transcript's 3' end. VCF-style (leftmost placement, unchanged base first): chr4-1799792-AGGACACAGGTGT-A. GRCh37 (hg19) VCF-style: chr4-1801519-AGGACACAGGTGT-A.
Other names: c.436_445+2del (NM_001163213.2, NM_001354809.2, NM_001354810.2 and 1 more transcripts); c.436_445+2delGTGGACACAGGT (NM_000142.4).
Identifiers: ClinVar variation 533892 (VCV000533892.9), dbSNP rs1030059712, ClinGen allele CA91246455.

ClinVar aggregate classification (germline): Uncertain significance. Review status: criteria provided, multiple submitters, no conflicts (2 of 4 stars). 2 submissions from 2 submitters: Uncertain significance (2). Last evaluated 2020-10-15.

Submissions (2):

Blueprint Genetics
Classification: Uncertain significance. Last evaluated: 2020-10-15. Review status: criteria provided, single submitter. Criteria: ACMG Guidelines, 2015. Collection method: clinical testing. Allele origin: germline.

Labcorp Genetics (formerly Invitae), Labcorp
Classification: Uncertain significance. Last evaluated: 2017-12-13. Review status: criteria provided, single submitter. Criteria: Invitae Variant Classification Sherloc (09022015). Collection method: clinical testing. Allele origin: germline.
Comment: Algorithms developed to predict the effect of sequence changes on RNA splicing suggest that this variant may disrupt the consensus splice site, but this prediction has not been confirmed by published transcriptional studies. In summary, the available evidence is currently insufficient to determine the role of this variant in disease. Therefore, it has been classified as a Variant of Uncertain Significance. The current clinical and genetic evidence is not sufficient to establish whether loss-of-function variants in FGFR3 cause disease. This variant has not been reported in the literature in individuals with FGFR3-related disease. This variant is not present in population databases (ExAC no frequency). This sequence change affects a donor splice site in intron 4 of the FGFR3 gene. It is expected to disrupt RNA splicing and/or create a premature translational stop signal, and likely results in an absent or disrupted protein product.